The following is an entry in ClinVar:

NM_001999.4(FBN2):c.6002G>A (p.Cys2001Tyr)

Gene: FBN2 (fibrillin 2; minus strand). Cytogenetic location: 5q23.3.
Variant type: single nucleotide variant.
Coding change: c.6002G>A on transcript NM_001999.4 (MANE Select); coding-DNA position 6002, G replaced by A.
Protein change: p.Cys2001Tyr; replaces cysteine 2001 with tyrosine.
Molecular consequence: missense variant.
Genome position (GRCh38, 1-based): chr5:128,301,426, C>T on the plus strand (G>A on the coding strand, the complement: FBN2 is on the minus strand). VCF-style: chr5-128301426-C-T. GRCh37 (hg19) VCF-style: chr5-127637118-C-T.
Other names: short protein forms C2001Y.
Identifiers: ClinVar variation 239087 (VCV000239087.9), dbSNP rs878854476, ClinGen allele CA10582358.

ClinVar aggregate classification (germline): Uncertain significance (1 of 4 stars; one submission).

Conditions:
Congenital contractural arachnodactyly (CCA). Also called: Beals-Hecht syndrome; BEALS SYNDROME; Arthrogryposis, distal, type 9. Identifiers: Orphanet 115, MedGen C0220668, MONDO:0007363, OMIM 121050.

Allele frequency attached by ClinVar (database versions not stated): TOPMed below 0.00001; gnomAD 0.00001.
gnomAD v4.1: 1 of 1,613,336 alleles (0.000062%); highest among the groups gnomAD compares: Non-Finnish European, 0.000085%; no homozygotes.

Submission:

Labcorp Genetics (formerly Invitae), Labcorp
Classification: Uncertain significance for Congenital contractural arachnodactyly. Last evaluated: 2016-03-10. Review status: criteria provided, single submitter. Criteria: Invitae Variant Classification Sherloc (09022015). Collection method: clinical testing. Allele origin: germline.
Comment: This sequence change replaces cysteine with tyrosine at codon 2001 of the FBN2 protein (p.Cys2001Tyr). The cysteine residue is highly conserved and there is a large physicochemical difference between cysteine and tyrosine. This variant is not present in population databases (ExAC no frequency) and has not been reported in the literature in individuals with a FBN2-related disease. Algorithms developed to predict the effect of missense changes on protein structure and function (SIFT, PolyPhen-2, Align-GVGD) all suggest that this variant is likely to be disruptive, but these predictions have not been confirmed by published functional studies. In summary, this variant is a novel missense change affecting a residue crucial for protein stability and function. However, segregation and functional evidence implicating this variant are not available. Therefore, it has been classified as a Variant of Uncertain Significance. This variant affects a cysteine residue located within an epidermal growth factor (EGF)–like domain of the FBN2 protein. Cysteine residues in these domains are involved in the formation of disulfide bridges critical for protein structure and stability (PMID: 3495735, 4750422, 16677079). In addition, missense substitutions within the FBN2 EGF-like domains affecting cysteine residues are overrepresented in patients with congenital contractural arachnodactyly (PMID: 18767143).

Literature cited by the submitters: PubMed 3495735; PubMed 4750422; PubMed 16677079; PubMed 18767143.